The following is an entry in ClinVar:

NM_001382391.1(CSPP1):c.843A>C (p.Glu281Asp)

Gene: CSPP1 (centrosome and spindle pole associated protein 1; plus strand). Cytogenetic location: 8q13.1.
Variant type: single nucleotide variant.
Coding change: c.843A>C on transcript NM_001382391.1 (MANE Select); coding-DNA position 843, A replaced by C.
Protein change: p.Glu281Asp; replaces glutamic acid 281 with aspartic acid.
Molecular consequence: missense variant. On other transcripts: 5 prime UTR variant (1).
Genome position (GRCh38, 1-based): chr8:67,095,652, A>C. VCF-style: chr8-67095652-A-C. GRCh37 (hg19) VCF-style: chr8-68007887-A-C.
Other names: c.-13A>C (NM_001291339.2); c.762A>C, p.Glu254Asp (NM_001363131.2, NM_001363133.2); c.843A>C, p.Glu281Asp (NM_001363132.2); c.951A>C, p.Glu317Asp (NM_001364869.1); c.870A>C, p.Glu290Asp (NM_001364870.1, NM_024790.7); short protein forms E281D, E254D, E317D, E290D.
Identifiers: ClinVar variation 1903896 (VCV001903896.6), dbSNP rs201127853, ClinGen allele CA4770370.

ClinVar aggregate classification (germline): Uncertain significance. Review status: criteria provided, multiple submitters, no conflicts (2 of 4 stars). 2 submissions from 2 submitters: Uncertain significance (2). Last evaluated 2025-07-02.

Conditions:
Inborn genetic diseases. Identifiers: MedGen C0950123, MeSH D030342.
Joubert syndrome 21 (JBTS21). Identifiers: MedGen C3810212, MONDO:0014288, OMIM 615636.

Allele frequency attached by ClinVar (database versions not stated): ExAC 0.00002; gnomAD 0.00003; TOPMed 0.00005; 1000 Genomes Project 30x 0.00016; 1000 Genomes Project 0.00020.
gnomAD v4.1: 6 of 1,613,292 alleles (0.00037%); highest among the groups gnomAD compares: African/African-American, 0.0067%; no homozygotes.

Submissions (2):

Ambry Genetics
Classification: Uncertain significance for Inborn genetic diseases. Last evaluated: 2025-07-02. Review status: criteria provided, single submitter. Criteria: Ambry Variant Classification Scheme 2023. Collection method: clinical testing. Allele origin: germline.

Labcorp Genetics (formerly Invitae), Labcorp
Classification: Uncertain significance for Joubert syndrome 21. Last evaluated: 2022-04-22. Review status: criteria provided, single submitter. Criteria: Invitae Variant Classification Sherloc (09022015). Collection method: clinical testing. Allele origin: germline.
Comment: In summary, the available evidence is currently insufficient to determine the role of this variant in disease. Therefore, it has been classified as a Variant of Uncertain Significance. Algorithms developed to predict the effect of missense changes on protein structure and function output the following: SIFT: "Tolerated"; PolyPhen-2: "Benign"; Align-GVGD: "Class C0". The aspartic acid amino acid residue is found in multiple mammalian species, which suggests that this missense change does not adversely affect protein function. This variant has not been reported in the literature in individuals affected with CSPP1-related conditions. This variant is present in population databases (rs201127853, gnomAD 0.02%). This sequence change replaces glutamic acid, which is acidic and polar, with aspartic acid, which is acidic and polar, at codon 290 of the CSPP1 protein (p.Glu290Asp).